The following is an entry in ClinVar:

NM_002473.6(MYH9):c.4249C>T (p.Arg1417Trp)

Gene: MYH9 (myosin heavy chain 9; minus strand). Cytogenetic location: 22q12.3.
Variant type: single nucleotide variant.
Coding change: c.4249C>T on transcript NM_002473.6 (MANE Select); coding-DNA position 4249, C replaced by T.
Protein change: p.Arg1417Trp; replaces arginine 1417 with tryptophan.
Molecular consequence: missense variant.
Genome position (GRCh38, 1-based): chr22:36,292,081, G>A on the plus strand (C>T on the coding strand, the complement: MYH9 is on the minus strand). VCF-style: chr22-36292081-G-A. GRCh37 (hg19) VCF-style: chr22-36688127-G-A.
Other names: short protein forms R1417W.
Identifiers: ClinVar variation 1703778 (VCV001703778.4), dbSNP rs1394231995, ClinGen allele CA411382466.
Genomic context (GRCh38, chr22:36,292,081, plus strand): 5'-ACGCGCTCTGGCGCTGGTGGTCCAGGTCCACCAGCAGGTCGTCCAGCTCCTGCTGCAGCC[G>A]CGTCTTGGTCTTCTCCAGCTTGTCGTAGGCGGCCACCTTCTCCTCGTGCCGCTGGCTCAG-3'
Protein context (NP_002464.1, residues 1407-1427): AYDKLEKTKT[Arg1417Trp]LQQELDDLLV

ClinVar aggregate classification (germline): Conflicting classifications of pathogenicity. Review status: criteria provided, conflicting classifications (1 of 4 stars). 2 submissions from 2 submitters: Likely pathogenic (1); Uncertain significance (1). Last evaluated 2024-04-29.

Conditions:
Macrothrombocytopenia and granulocyte inclusions with or without nephritis or sensorineural hearing loss (MATINS). Also called: ALPORT SYNDROME WITH MACROTHROMBOCYTOPENIA; Fechtner syndrome; Epstein syndrome; Giant platelet syndrome with thrombocytopenia; SEBASTIAN PLATELET SYNDROME; MACROTHROMBOCYTOPENIA WITH DISPERSED LEUKOCYTIC INCLUSIONS. Identifiers: Orphanet 182050, MedGen C5200934, MONDO:0015912, OMIM 155100.

gnomAD v4.1: 4 of 1,614,150 alleles (0.00025%); highest among the groups gnomAD compares: East Asian, 0.0022%; no homozygotes.

Submissions (2):

Labcorp Genetics (formerly Invitae), Labcorp
Classification: Uncertain significance. Last evaluated: 2024-04-29. Review status: criteria provided, single submitter. Criteria: Invitae Variant Classification Sherloc (09022015). Collection method: clinical testing. Allele origin: germline.
Comment: This sequence change replaces arginine, which is basic and polar, with tryptophan, which is neutral and slightly polar, at codon 1417 of the MYH9 protein (p.Arg1417Trp). This variant is present in population databases (no rsID available, gnomAD 0.006%). This variant has not been reported in the literature in individuals affected with MYH9-related conditions. ClinVar contains an entry for this variant (Variation ID: 1703778). Advanced modeling of protein sequence and biophysical properties (such as structural, functional, and spatial information, amino acid conservation, physicochemical variation, residue mobility, and thermodynamic stability) has been performed at Invitae for this missense variant, however the output from this modeling did not meet the statistical confidence thresholds required to predict the impact of this variant on MYH9 protein function. In summary, the available evidence is currently insufficient to determine the role of this variant in disease. Therefore, it has been classified as a Variant of Uncertain Significance.

ISTH-SSC Genomics in Thrombosis and Hemostasis, KU Leuven, Center for Molecular and Vascular Biology
Classification: Likely pathogenic for Macrothrombocytopenia and granulocyte inclusions with or without nephritis or sensorineural hearing loss. Review status: criteria provided, single submitter. Criteria: ACMG Guidelines, 2015. Collection method: clinical testing. Allele origin: germline. Affected: yes. Observed: 1 heterozygote.
Comment: Submitted to GoldVariant by Jose María Bastida and José Rivera; Grupo Español de Alteraciones Plaquetarias Congénitas (GEAPC)